The following is an entry in ClinVar:

ClinVar aggregate classification (germline): Likely pathogenic (1 of 4 stars; one submission).

Conditions:
Multiple sulfatase deficiency (MSD). Also called: Mucosulfatidosis; Multiple Sulfatase Deficiency Disease; Sulfatidosis, Juvenile, Austin Type. Identifiers: Orphanet 585, MedGen C0268263, MONDO:0010088, OMIM 272200.

gnomAD v4.1: 2 of 1,614,018 alleles (0.00012%); highest among the groups gnomAD compares: South Asian, 0.0011%; no homozygotes.

Submission:

Natera, Inc.
Classification: Likely pathogenic for Multiple sulfatase deficiency. Last evaluated: 2025-12-05. Review status: criteria provided, single submitter. Criteria: Natera Variant Classification Schema (03/2026). Collection method: clinical testing. Allele origin: germline.
Comment: The c.603-2A>G variant in SUMF1 is a canonical splice acceptor site variant predicted to affect pre-mRNA splicing, which may result in an abnormal transcript and altered protein product. This variant is expected to result in nonsense mediated decay, truncation, or a dysfunctional protein product. This variant is rare in the general population with a frequency below the threshold expected for the associated phenotype(s). This variant has been observed in one or more individuals affected with the associated recessive disease, as either homozygous or compound heterozygous with a second variant (PMID: 22106832). Given the available evidence, this variant is classified as Likely Pathogenic.

Literature cited by the submitters: PubMed 22106832.

NM_182760.4(SUMF1):c.603-2A>G

Gene: SUMF1 (sulfatase modifying factor 1; minus strand). Cytogenetic location: 3p26.1.
Variant type: single nucleotide variant.
Coding change: c.603-2A>G on transcript NM_182760.4 (MANE Select); the canonical splice acceptor site of the intron before coding-DNA position 603, A replaced by G.
Molecular consequence: splice acceptor variant.
Genome position (GRCh38, 1-based): chr3:4,418,134, T>C on the plus strand (A>G on the coding strand, the complement: SUMF1 is on the minus strand). VCF-style: chr3-4418134-T-C. GRCh37 (hg19) VCF-style: chr3-4459818-T-C.
Other names: c.528-2A>G (NM_001164674.2); c.603-2A>G (NM_001164675.2).
Identifiers: ClinVar variation 4816997 (VCV004816997.1).
Genomic context (GRCh38, chr3:4,418,134, plus strand): 5'-CCCAAGTGCAGTAGGCAACCGCATCATTCCAGGACACATGGAGAACTGGATGATCCGGCC[T>C]GGGGAAGAGCAAAAGTAGAATGAAAAGTGACACCAATCAGAACAAGAAGCAGGAGCTGGC-3'